The following is an entry in ClinVar:

NM_152443.3(RDH12):c.506G>T (p.Arg169Leu)

Genes: GPHN (gephyrin; plus strand), RDH12 (retinol dehydrogenase 12; plus strand). Cytogenetic location: 14q24.1.
Variant type: single nucleotide variant.
Coding change: c.506G>T on transcript NM_152443.3 (MANE Select); coding-DNA position 506, G replaced by T.
Protein change: p.Arg169Leu; replaces arginine 169 with leucine.
Molecular consequence: missense variant.
Genome position (GRCh38, 1-based): chr14:67,727,038, G>T. VCF-style: chr14-67727038-G-T. GRCh37 (hg19) VCF-style: chr14-68193755-G-T.
Other names: short protein forms R169L.
Identifiers: ClinVar variation 3902336 (VCV003902336.1).

ClinVar aggregate classification (germline): Uncertain significance (1 of 4 stars; one submission).

Submission:

Women's Health and Genetics/Laboratory Corporation of America, LabCorp
Classification: Uncertain significance. Last evaluated: 2025-05-09. Review status: criteria provided, single submitter. Criteria: LabCorp Variant Classification Summary - May 2015. Collection method: clinical testing. Allele origin: germline.
Comment: Variant summary: RDH12 c.506G>T (p.Arg169Leu) results in a non-conservative amino acid change in the encoded protein sequence. Algorithms developed to predict the effect of missense changes on protein structure and function all suggest that this variant is likely to be disruptive. The variant was absent in 251464 control chromosomes. To our knowledge, no occurrence of c.506G>T in individuals affected with Leber Congenital Amaurosis and no experimental evidence demonstrating its impact on protein function have been reported. Two different variants affecting the same codon have been classified as likely pathogenic/pathogenic by our lab (c.505C>T, p.Arg169Trp; c.506G>A, p.Arg169Gln), supporting the critical relevance of codon 169 to RDH12 protein function. No submitters have cited clinical-significance assessments for this variant to ClinVar. Based on the evidence outlined above, the variant was classified as VUS-possibly pathogenic.